The following is an entry in ClinVar:

ClinVar aggregate classification (germline): Uncertain significance (1 of 4 stars; one submission).

Allele frequency attached by ClinVar (database versions not stated): gnomAD exomes below 0.00001.

Submission:

GeneDx
Classification: Uncertain significance. Last evaluated: 2022-03-24. Review status: criteria provided, single submitter. Criteria: GeneDx Variant Classification Process June 2021. Collection method: clinical testing. Allele origin: germline. Affected: yes.
Comment: Not observed at significant frequency in large population cohorts (gnomAD); Nonsense variant predicted to result in protein truncation or nonsense mediated decay in a gene or region of a gene for which loss of function is not a well-established mechanism of disease; Has not been previously published as pathogenic or benign to our knowledge

NM_001393504.1(MAST3):c.2638C>T (p.Arg880Ter)

Gene: MAST3 (microtubule associated serine/threonine kinase 3; plus strand). Cytogenetic location: 19p13.11.
Variant type: single nucleotide variant.
Coding change: c.2638C>T on transcript NM_001393504.1 (MANE Select); coding-DNA position 2638, C replaced by T.
Protein change: p.Arg880Ter; replaces arginine 880 with a stop codon.
Molecular consequence: nonsense.
Genome position (GRCh38, 1-based): chr19:18,144,519, C>T. VCF-style: chr19-18144519-C-T. GRCh37 (hg19) VCF-style: chr19-18255329-C-T.
Other names: c.2662C>T, p.Arg888Ter (NM_001393501.1); c.2641C>T, p.Arg881Ter (NM_001393502.1); c.2638C>T, p.Arg880Ter (NM_001393503.1); c.2635C>T, p.Arg879Ter (NM_001393505.1); c.2590C>T, p.Arg864Ter (NM_001393506.1, NM_001393513.1); c.2617C>T, p.Arg873Ter (NM_001393507.1); c.2572C>T, p.Arg858Ter (NM_001393508.1, NM_001393516.1); c.2569C>T, p.Arg857Ter (NM_001393509.1, NM_001393510.1, NM_001393512.1 and 2 more transcripts); and 4 more; short protein forms R842*, R850*, R851*, R856*, R857*, R858*, R864*, R873*.
Identifiers: ClinVar variation 1706754 (VCV001706754.2), dbSNP rs2513420884, ClinGen allele CA404791541.